The following is an entry in ClinVar:

NM_000363.5(TNNI3):c.464T>C (p.Met155Thr)

Gene: TNNI3 (troponin I3, cardiac type; minus strand). Cytogenetic location: 19q13.42.
Variant type: single nucleotide variant.
Coding change: c.464T>C on transcript NM_000363.5 (MANE Select); coding-DNA position 464, T replaced by C.
Protein change: p.Met155Thr; replaces methionine 155 with threonine.
Molecular consequence: missense variant.
Genome position (GRCh38, 1-based): chr19:55,154,115, A>G on the plus strand (T>C on the coding strand, the complement: TNNI3 is on the minus strand). VCF-style: chr19-55154115-A-G. GRCh37 (hg19) VCF-style: chr19-55665483-A-G.
Other names: short protein forms M155T.
Identifiers: ClinVar variation 43387 (VCV000043387.6), dbSNP rs397516352, ClinGen allele CA021714.

ClinVar aggregate classification (germline): Uncertain significance. Review status: criteria provided, single submitter (1 of 4 stars). 2 submissions from 2 submitters: Uncertain significance (1). 1 of the submissions does not count toward it. Last evaluated 2019-07-04.

Conditions:
Primary dilated cardiomyopathy (DCM). Also called: Dilated Cardiomyopathy. Identifiers: Orphanet 217604, MedGen C0007193, MeSH D002311, MONDO:0005021, HP:0001644. Inheritance: Various modes of inheritance.

Submissions (2):

Blueprint Genetics
Classification: Uncertain significance. Last evaluated: 2019-07-04. Review status: criteria provided, single submitter. Criteria: ACMG Guidelines, 2015. Collection method: clinical testing. Allele origin: germline.

Laboratory for Molecular Medicine, Mass General Brigham Personalized Medicine
Classification: Likely pathogenic for Primary dilated cardiomyopathy. Last evaluated: 2011-06-16. Review status: no assertion criteria provided. Collection method: clinical testing. Allele origin: germline. Observed: 2 variant alleles. Not counted in ClinVar's aggregate classification.
Comment: This low frequency is consistent with a pathogenic ro le. In addition, methionine (Met) at position 155 is conserved across mammals, frog, a nd zebrafish (though fruitfly and C. elegans carry a different amino acid), incr easing the likelihood that the change would not be tolerated. Computational anal yses are inconclusive with PolyPhen2 predicting pathogenic and AlignGVGD and SIF T predicting benign, though these models have not been validated sufficiently to determine pathogenicity. In summary, the overall evidence suggests that this va riant is likely pathogenic although we cannot fully exclude that is benign or pl ays a modifying role.